The following is an entry in ClinVar:

ClinVar aggregate classification (germline): Uncertain significance. Review status: criteria provided, multiple submitters, no conflicts (2 of 4 stars). 2 submissions from 2 submitters: Uncertain significance (2). Last evaluated 2025-07-14.

Conditions:
Hereditary cancer-predisposing syndrome. Also called: Neoplastic Syndromes, Hereditary; Hereditary Cancer Syndrome; Hereditary neoplastic syndrome; Tumor predisposition. Identifiers: Orphanet 140162, MedGen C0027672, MeSH D009386, MONDO:0015356.
Tumor predisposition syndrome 3 (TPDS3). Also called: Melanoma, cutaneous malignant, susceptibility to, 10; Glioma susceptibility 9; LONG TELOMERE SYNDROME, POT1-RELATED; POT1 Tumor Predisposition. Identifiers: Orphanet 618, MedGen C4014476, MONDO:0014368, OMIM 615848.

Submissions (2):

Labcorp Genetics (formerly Invitae), Labcorp
Classification: Uncertain significance for Tumor predisposition syndrome 3. Last evaluated: 2025-07-14. Review status: criteria provided, single submitter. Criteria: Invitae Variant Classification Sherloc (09022015). Collection method: clinical testing. Allele origin: germline.
Comment: This sequence change replaces asparagine, which is neutral and polar, with lysine, which is basic and polar, at codon 215 of the POT1 protein (p.Asn215Lys). This variant is not present in population databases (gnomAD no frequency). This variant has not been reported in the literature in individuals affected with POT1-related conditions. ClinVar contains an entry for this variant (Variation ID: 3012318). Invitae Evidence Modeling of protein sequence and biophysical properties (such as structural, functional, and spatial information, amino acid conservation, physicochemical variation, residue mobility, and thermodynamic stability) indicates that this missense variant is not expected to disrupt POT1 protein function with a negative predictive value of 80%. In summary, the available evidence is currently insufficient to determine the role of this variant in disease. Therefore, it has been classified as a Variant of Uncertain Significance.

Ambry Genetics
Classification: Uncertain significance for Hereditary cancer-predisposing syndrome. Last evaluated: 2022-12-25. Review status: criteria provided, single submitter. Criteria: Ambry Variant Classification Scheme 2023. Collection method: clinical testing. Allele origin: germline.
Comment: The p.N215K variant (also known as c.645T>A), located in coding exon 5 of the POT1 gene, results from a T to A substitution at nucleotide position 645. The asparagine at codon 215 is replaced by lysine, an amino acid with similar properties. This amino acid position is conserved. In addition, this alteration is predicted to be tolerated by in silico analysis. Since supporting evidence is limited at this time, the clinical significance of this alteration remains unclear.

NM_015450.3(POT1):c.645T>A (p.Asn215Lys)

Gene: POT1 (protection of telomeres 1; minus strand). Cytogenetic location: 7q31.33.
Variant type: single nucleotide variant.
Coding change: c.645T>A on transcript NM_015450.3 (MANE Select); coding-DNA position 645, T replaced by A.
Protein change: p.Asn215Lys; replaces asparagine 215 with lysine.
Molecular consequence: missense variant. On other transcripts: non-coding transcript variant (3).
Genome position (GRCh38, 1-based): chr7:124,859,014, A>T on the plus strand (T>A on the coding strand, the complement: POT1 is on the minus strand). VCF-style: chr7-124859014-A-T. GRCh37 (hg19) VCF-style: chr7-124499068-A-T.
Other names: c.252T>A, p.Asn84Lys (NM_001042594.2); c.645T>A (NM_015450.2); short protein forms N215K, N84K.
Identifiers: ClinVar variation 3012318 (VCV003012318.4), dbSNP rs2485463313, ClinGen allele CA369056260.